The following is an entry in ClinVar:

NC_000006.11:g.(99328501_99347143)_(99375699_99395681)del

Gene: FBXL4 (F-box and leucine rich repeat protein 4; minus strand). Cytogenetic location: 6q16.1.
Variant type: Deletion.
Identifiers: ClinVar variation 1698546 (VCV001698546.1).

ClinVar aggregate classification (germline): Likely pathogenic (1 of 4 stars; one submission).

Conditions:
Leigh syndrome (NULS). Also called: Leigh Disease; Subacute necrotizing encephalopathy; Necrotizing encephalopathy infantile subacute of Leigh; LEIGH SYNDROME, NUCLEAR; Leigh's necrotizing encephalopathy; Leigh's disease. Identifiers: Orphanet 506, MedGen C2931891, MONDO:0009723, OMIM 256000.

Submission:

Women's Health and Genetics/Laboratory Corporation of America, LabCorp
Classification: Likely pathogenic for Leigh syndrome. Last evaluated: 2022-06-01. Review status: criteria provided, single submitter. Criteria: LabCorp Variant Classification Summary - May 2015. Collection method: clinical testing. Allele origin: germline.
Comment: Variant summary: The variant identified by MLPA or other technology involves the deletion of exons 2-6 in the FBXL4 gene, including the initiation codon located with exon 3. A presumed nomenclature of c.(-191+1_-190-1)_(1317+1_1318-1)del has been designated for the purposes of this classification. The variant allele was found at a frequency of 4.6e-05 in 21694 control chromosomes (gnomAD, Structural Variants Dataset). A ClinVar submitter (evaluation after 2014) cites the variant as uncertain significance, while another ClinVar submitter (evaluation after 2014) cites it as pathogenic. Based on the evidence outlined above, the variant was classified as likely pathogenic.